The following is an entry in ClinVar:

ClinVar aggregate classification (germline): Uncertain significance (1 of 4 stars; one submission).

Conditions:
Pontocerebellar hypoplasia type 9. Identifiers: Orphanet 369920, MedGen C4014354, MONDO:0014351, OMIM 615809.
Hereditary spastic paraplegia 63. Also called: Spastic paraplegia 63, autosomal recessive. Identifiers: Orphanet 401805, MedGen C3810295, MONDO:0014305, OMIM 615686.

Submission:

Labcorp Genetics (formerly Invitae), Labcorp
Classification: Uncertain significance for Pontocerebellar hypoplasia type 9; Hereditary spastic paraplegia 63. Last evaluated: 2022-06-25. Review status: criteria provided, single submitter. Criteria: Invitae Variant Classification Sherloc (09022015). Collection method: clinical testing. Allele origin: germline.
Comment: This sequence change replaces threonine, which is neutral and polar, with serine, which is neutral and polar, at codon 663 of the AMPD2 protein (p.Thr663Ser). This variant is not present in population databases (gnomAD no frequency). This variant has not been reported in the literature in individuals affected with AMPD2-related conditions. Algorithms developed to predict the effect of missense changes on protein structure and function are either unavailable or do not agree on the potential impact of this missense change (SIFT: "Tolerated"; PolyPhen-2: "Possibly Damaging"; Align-GVGD: "Class C0"). In summary, the available evidence is currently insufficient to determine the role of this variant in disease. Therefore, it has been classified as a Variant of Uncertain Significance.

NM_001368809.2(AMPD2):c.1825A>T (p.Thr609Ser)

Gene: AMPD2 (adenosine monophosphate deaminase 2; plus strand). Cytogenetic location: 1p13.3.
Variant type: single nucleotide variant.
Coding change: c.1825A>T on transcript NM_001368809.2 (MANE Select); coding-DNA position 1825, A replaced by T.
Protein change: p.Thr609Ser; replaces threonine 609 with serine.
Molecular consequence: missense variant.
Genome position (GRCh38, 1-based): chr1:109,629,453, A>T. VCF-style: chr1-109629453-A-T. GRCh37 (hg19) VCF-style: chr1-110172075-A-T.
Other names: c.1987A>T, p.Thr663Ser (NM_001257360.2); c.1633A>T, p.Thr545Ser (NM_001257361.2); c.1762A>T, p.Thr588Ser (NM_001308170.1); c.1825A>T, p.Thr609Ser (NM_004037.9); c.1744A>T, p.Thr582Ser (NM_139156.4); short protein forms T545S, T582S, T663S, T588S, T609S.
Identifiers: ClinVar variation 2006832 (VCV002006832.4), dbSNP rs1570593703, ClinGen allele CA341561651.